The following is an entry in ClinVar:

ClinVar aggregate classification (germline): Likely benign (1 of 4 stars; one submission).

Allele frequency attached by ClinVar (database versions not stated): 1000 Genomes Project 0.00140; 1000 Genomes Project 30x 0.00156; gnomAD 0.00299; TOPMed 0.00312; ExAC 0.00325; ESP Exome Variant Server 0.00369.
gnomAD v4.1: 6,010 of 1,610,386 alleles (0.37%); highest among the groups gnomAD compares: Non-Finnish European, 0.44%; 16 homozygotes.

Submission:

CeGaT Center for Human Genetics Tuebingen
Classification: Likely benign. Last evaluated: 2023-05-01. Review status: criteria provided, single submitter. Criteria: CeGaT Center For Human Genetics Tuebingen Variant Classification Criteria Version 2. Collection method: clinical testing. Allele origin: germline. Affected: yes. Observed: 3 variant alleles.
Comment: TLN2: BP4, BP7, BS2

NM_015059.3(TLN2):c.3120G>A (p.Ser1040=)

Gene: TLN2 (talin 2; plus strand). Cytogenetic location: 15q22.2.
Variant type: single nucleotide variant.
Coding change: c.3120G>A on transcript NM_015059.3 (MANE Select); coding-DNA position 3120, G replaced by A.
Protein change: p.Ser1040=; no amino-acid change (serine 1040 retained).
Molecular consequence: synonymous variant.
Genome position (GRCh38, 1-based): chr15:62,722,481, G>A. VCF-style: chr15-62722481-G-A. GRCh37 (hg19) VCF-style: chr15-63014680-G-A.
Other names: c.3120G>A, p.Ser1040= (NM_001394547.1).
Identifiers: ClinVar variation 2645411 (VCV002645411.24), dbSNP rs148420994, ClinGen allele CA7599424.